The following is an entry in ClinVar:

NM_000404.4(GLB1):c.1310A>T (p.Asn437Ile)

Gene: GLB1 (galactosidase beta 1; minus strand). Cytogenetic location: 3p22.3.
Variant type: single nucleotide variant.
Coding change: c.1310A>T on transcript NM_000404.4 (MANE Select); coding-DNA position 1310, A replaced by T.
Protein change: p.Asn437Ile; replaces asparagine 437 with isoleucine.
Molecular consequence: missense variant.
Genome position (GRCh38, 1-based): chr3:33,018,485, T>A on the plus strand (A>T on the coding strand, the complement: GLB1 is on the minus strand). VCF-style: chr3-33018485-T-A. GRCh37 (hg19) VCF-style: chr3-33059977-T-A.
Other names: c.1220A>T, p.Asn407Ile (NM_001079811.3); c.917A>T, p.Asn306Ile (NM_001135602.3); c.1454A>T, p.Asn485Ile (NM_001317040.2); c.1310A>T, p.Asn437Ile (NM_001393580.1); short protein forms N437I, N407I, N485I, N306I.
Identifiers: ClinVar variation 92896 (VCV000092896.13), dbSNP rs202237232, ClinGen allele CA201009.

ClinVar aggregate classification (germline): Pathogenic/Likely pathogenic. Review status: criteria provided, multiple submitters, no conflicts (2 of 4 stars). 3 submissions from 3 submitters: Pathogenic (1); Likely pathogenic (1). 1 of the submissions does not count toward it. Last evaluated 2024-03-07.

Conditions:
GM1 gangliosidosis type 3. Also called: GANGLIOSIDOSIS, GENERALIZED GM1, ADULT TYPE; GANGLIOSIDOSIS, GENERALIZED GM1, CHRONIC TYPE; GANGLIOSIDOSIS, GENERALIZED GM1, TYPE III; Beta-galactosidase deficiency; Adult GM1 gangliosidosis; Type 3 (adult) GM1 gangliosidosis. Identifiers: Orphanet 79257, MedGen C0268273, MONDO:0009262, OMIM 230650.
Mucopolysaccharidosis, MPS-IV-B (MPS4B). Also called: Mucopolysaccharidosis Type IVB (Morquio B Disease); Mucopolysaccharidosis type 4B; Mucopolysaccharidosis type IVB (Morquio); MPS IVB; Mucopolysaccharidosis type IV B; MORQUIO SYNDROME B. Identifiers: Orphanet 309310, Orphanet 582, MedGen C0086652, MONDO:0009660, OMIM 253010.
GM1 gangliosidosis type 2. Also called: GANGLIOSIDOSIS, GENERALIZED GM1, JUVENILE TYPE; GANGLIOSIDOSIS, GENERALIZED GM1, TYPE II; Juvenile GM>1< gangliosidosis; Gangliosidosis, Generalized GM1, Type 2; GM1-GANGLIOSIDOSIS, TYPE II. Identifiers: Orphanet 354, Orphanet 79256, MedGen C0268272, MONDO:0009261, OMIM 230600.
Infantile GM1 gangliosidosis. Also called: GM1-gangliosidosis, type I; Gangliosidosis, generalized GM1, infantile form; GLB1 deficiency; GM1 gangliosidosis type 1; Gangliosidosis, Generalized GM1, Type 1. Identifiers: Orphanet 354, Orphanet 79255, MedGen C0268271, MONDO:0009260, OMIM 230500.
GM1 gangliosidosis. Identifiers: Orphanet 354, MedGen C0085131, MONDO:0018149.

Allele frequency attached by ClinVar (database versions not stated): TOPMed 0.00002.
gnomAD v4.1: 5 of 1,613,746 alleles (0.00031%); highest among the groups gnomAD compares: African/African-American, 0.0067%; no homozygotes.

Submissions (3):

Labcorp Genetics (formerly Invitae), Labcorp
Classification: Pathogenic for Mucopolysaccharidosis, MPS-IV-B; GM1 gangliosidosis. Last evaluated: 2024-03-07. Review status: criteria provided, single submitter. Criteria: Invitae Variant Classification Sherloc (09022015). Collection method: clinical testing. Allele origin: germline.
Comment: This sequence change replaces asparagine, which is neutral and polar, with isoleucine, which is neutral and non-polar, at codon 437 of the GLB1 protein (p.Asn437Ile). This variant is present in population databases (rs202237232, gnomAD 0.02%). This missense change has been observed in individual(s) with GLB1-related conditions (Invitae). In at least one individual the data is consistent with being in trans (on the opposite chromosome) from a pathogenic variant. It has also been observed to segregate with disease in related individuals. ClinVar contains an entry for this variant (Variation ID: 92896). Advanced modeling of protein sequence and biophysical properties (such as structural, functional, and spatial information, amino acid conservation, physicochemical variation, residue mobility, and thermodynamic stability) has been performed at Invitae for this missense variant, however the output from this modeling did not meet the statistical confidence thresholds required to predict the impact of this variant on GLB1 protein function. For these reasons, this variant has been classified as Pathogenic.

Eurofins Ntd Llc (ga)
Classification: Likely pathogenic. Last evaluated: 2013-12-10. Review status: criteria provided, single submitter. Criteria: EGL Classification Definitions. Collection method: clinical testing. Allele origin: germline. Observed: 2 variant alleles, 2 heterozygotes.

Counsyl
Classification: Uncertain significance for Infantile GM1 gangliosidosis; GM1 gangliosidosis type 2; GM1 gangliosidosis type 3; Mucopolysaccharidosis, MPS-IV-B. Last evaluated: 2017-08-15. Review status: no assertion criteria provided. Collection method: clinical testing. Allele origin: unknown. Not counted in ClinVar's aggregate classification.